The following is an entry in ClinVar:

ClinVar aggregate classification (germline): Uncertain significance. Review status: criteria provided, multiple submitters, no conflicts (2 of 4 stars). 4 submissions from 4 submitters: Uncertain significance (3). 1 of the submissions does not count toward it. Last evaluated 2025-03-31.

Conditions:
Mucopolysaccharidosis type 1. Also called: IDUA deficiency; MPS I; Mucopolysaccharidosis Type I. Identifiers: Orphanet 579, MedGen C0023786, MONDO:0001586.

gnomAD v4.1: 3 of 1,453,158 alleles (0.00021%); highest among the groups gnomAD compares: Admixed American, 0.0078%; no homozygotes.

Submissions (4):

Labcorp Genetics (formerly Invitae), Labcorp
Classification: Uncertain significance for Mucopolysaccharidosis type 1. Last evaluated: 2025-03-31. Review status: criteria provided, single submitter. Criteria: Invitae Variant Classification Sherloc (09022015). Collection method: clinical testing. Allele origin: germline.
Comment: This sequence change replaces arginine, which is basic and polar, with glycine, which is neutral and non-polar, at codon 435 of the IDUA protein (p.Arg435Gly). The frequency data for this variant in the population databases is considered unreliable, as metrics indicate poor data quality at this position in the gnomAD database. This variant has not been reported in the literature in individuals affected with IDUA-related conditions. ClinVar contains an entry for this variant (Variation ID: 1063751). Invitae Evidence Modeling of protein sequence and biophysical properties (such as structural, functional, and spatial information, amino acid conservation, physicochemical variation, residue mobility, and thermodynamic stability) has been performed for this missense variant. However, the output from this modeling did not meet the statistical confidence thresholds required to predict the impact of this variant on IDUA protein function. In summary, the available evidence is currently insufficient to determine the role of this variant in disease. Therefore, it has been classified as a Variant of Uncertain Significance.

Revvity Omics, Revvity
Classification: Uncertain significance. Last evaluated: 2023-08-25. Review status: criteria provided, single submitter. Criteria: ACMG Guidelines, 2015. Collection method: clinical testing. Allele origin: germline.

GeneDx
Classification: Uncertain significance. Last evaluated: 2019-04-24. Review status: criteria provided, single submitter. Criteria: GeneDx Variant Classification Process June 2021. Collection method: clinical testing. Allele origin: germline. Affected: yes.
Comment: In silico analysis, which includes protein predictors and evolutionary conservation, supports a deleterious effect; Has not been previously published as pathogenic or benign to our knowledge

Natera, Inc.
Classification: Uncertain significance for Mucopolysaccharidosis type I. Last evaluated: 2020-07-20. Review status: no assertion criteria provided. Collection method: clinical testing. Allele origin: germline. Not counted in ClinVar's aggregate classification.

NM_000203.5(IDUA):c.1303C>G (p.Arg435Gly)

Gene: IDUA (alpha-L-iduronidase; plus strand). Cytogenetic location: 4p16.3.
Variant type: single nucleotide variant.
Coding change: c.1303C>G on transcript NM_000203.5 (MANE Select); coding-DNA position 1303, C replaced by G.
Protein change: p.Arg435Gly; replaces arginine 435 with glycine.
Molecular consequence: missense variant. On other transcripts: non-coding transcript variant (1).
Genome position (GRCh38, 1-based): chr4:1,002,845, C>G. VCF-style: chr4-1002845-C-G. GRCh37 (hg19) VCF-style: chr4-996633-C-G.
Other names: c.907C>G, p.Arg303Gly (NM_001363576.1); short protein forms R303G, R435G.
Identifiers: ClinVar variation 1063751 (VCV001063751.13), dbSNP rs1188900288, ClinGen allele CA355963888.